The following is an entry in ClinVar:

NM_019892.6(INPP5E):c.597G>A (p.Leu199=)

Gene: INPP5E (inositol polyphosphate-5-phosphatase E; minus strand). Cytogenetic location: 9q34.3.
Variant type: single nucleotide variant.
Coding change: c.597G>A on transcript NM_019892.6 (MANE Select); coding-DNA position 597, G replaced by A.
Protein change: p.Leu199=; no amino-acid change (leucine 199 retained).
Molecular consequence: synonymous variant.
Genome position (GRCh38, 1-based): chr9:136,438,823, C>T on the plus strand (G>A on the coding strand, the complement: INPP5E is on the minus strand). VCF-style: chr9-136438823-C-T. GRCh37 (hg19) VCF-style: chr9-139333275-C-T.
Other names: c.597G>A, p.Leu199= (NM_001318502.2); c.597G>A (NM_019892.5).
Identifiers: ClinVar variation 2417005 (VCV002417005.10), dbSNP rs2538892847, ClinGen allele CA467828365.

ClinVar aggregate classification (germline): Likely benign. Review status: criteria provided, single submitter (1 of 4 stars). 2 submissions from 2 submitters: Likely benign (1). 1 of the submissions does not count toward it. Last evaluated 2024-11-11.

Conditions:
INPP5E-related disorder. Also called: INPP5E-related condition.
Joubert syndrome. Also called: CEREBELLOPARENCHYMAL DISORDER IV; JOUBERT-BOLTSHAUSER SYNDROME; Familial aplasia of the vermis. Identifiers: Orphanet 475, MedGen C5979921, MONDO:0018772.

Allele frequency attached by ClinVar (database versions not stated): gnomAD exomes below 0.00001.

Submissions (2):

Labcorp Genetics (formerly Invitae), Labcorp
Classification: Likely benign for Joubert syndrome. Last evaluated: 2024-11-11. Review status: criteria provided, single submitter. Criteria: Invitae Variant Classification Sherloc (09022015). Collection method: clinical testing. Allele origin: germline.

PreventionGenetics, part of Exact Sciences
Classification: Likely benign for INPP5E-related condition. Last evaluated: 2023-04-14. Review status: no assertion criteria provided. Collection method: clinical testing. Allele origin: germline. Not counted in ClinVar's aggregate classification.
Comment: This variant is classified as likely benign based on ACMG/AMP sequence variant interpretation guidelines (Richards et al. 2015 PMID: 25741868, with internal and published modifications).